The following is an entry in ClinVar:

ClinVar aggregate classification (germline): Likely benign (0 of 4 stars; one submission).

Conditions:
ARID1A-related disorder. Also called: ARID1A-related condition.

Allele frequency attached by ClinVar (database versions not stated): gnomAD exomes below 0.00001; ExAC 0.00002.
gnomAD v4.1: 6 of 1,553,806 alleles (0.00039%); highest among the groups gnomAD compares: Non-Finnish European, 0.00052%; no homozygotes.

Submission:

PreventionGenetics, part of Exact Sciences
Classification: Likely benign for ARID1A-related condition. Last evaluated: 2024-01-22. Review status: no assertion criteria provided. Collection method: clinical testing. Allele origin: germline.
Comment: This variant is classified as likely benign based on ACMG/AMP sequence variant interpretation guidelines (Richards et al. 2015 PMID: 25741868, with internal and published modifications).

NM_006015.6(ARID1A):c.*2A>G

Gene: ARID1A (AT-rich interaction domain 1A; plus strand). Cytogenetic location: 1p36.11.
Variant type: single nucleotide variant.
Coding change: c.*2A>G on transcript NM_006015.6 (MANE Select); 2 bases downstream of the stop codon, A replaced by G.
Molecular consequence: 3 prime UTR variant.
Genome position (GRCh38, 1-based): chr1:26,780,758, A>G. VCF-style: chr1-26780758-A-G. GRCh37 (hg19) VCF-style: chr1-27107249-A-G.
Other names: c.*2A>G (NM_139135.4).
Identifiers: ClinVar variation 3061223 (VCV003061223.2), dbSNP rs768407935, ClinGen allele CA707912.